The following is an entry in ClinVar:

NM_004304.5(ALK):c.2695G>T (p.Gly899Cys)

Gene: ALK (ALK receptor tyrosine kinase; minus strand). Cytogenetic location: 2p23.2.
Variant type: single nucleotide variant.
Coding change: c.2695G>T on transcript NM_004304.5 (MANE Select); coding-DNA position 2695, G replaced by T.
Protein change: p.Gly899Cys; replaces glycine 899 with cysteine.
Molecular consequence: missense variant.
Genome position (GRCh38, 1-based): chr2:29,229,004, C>A on the plus strand (G>T on the coding strand, the complement: ALK is on the minus strand). VCF-style: chr2-29229004-C-A. GRCh37 (hg19) VCF-style: chr2-29451870-C-A.
Other names: short protein forms G899C.
Identifiers: ClinVar variation 2624788 (VCV002624788.2), dbSNP rs2465978281, ClinGen allele CA346469920.
Genomic context (GRCh38, chr2:29,229,004, plus strand): 5'-CTCTTGTCTCCCACCCCCACTTCTTCATGGCCTGGGGGCAGGAATGTCCTCCGGTGGCAC[C>A]CTCCTGCAAAGATTTTCCGGCCCAGAGCAAGGAAGTGTTATCATTCCAGCCACCTCCACC-3'
Protein context (NP_004295.2, residues 889-909): LLWAGKSLQE[Gly899Cys]ATGGHSCPQA

ClinVar aggregate classification (germline): Uncertain significance (1 of 4 stars; one submission).

Conditions:
Hereditary cancer-predisposing syndrome. Also called: Tumor predisposition; Hereditary Cancer Syndrome; Hereditary neoplastic syndrome; Neoplastic Syndromes, Hereditary. Identifiers: Orphanet 140162, MedGen C0027672, MeSH D009386, MONDO:0015356.

Submission:

Ambry Genetics
Classification: Uncertain significance for Hereditary cancer-predisposing syndrome. Last evaluated: 2023-09-11. Review status: criteria provided, single submitter. Criteria: Ambry Variant Classification Scheme 2023. Collection method: clinical testing. Allele origin: germline.
Comment: The p.G899C variant (also known as c.2695G>T), located in coding exon 16 of the ALK gene, results from a G to T substitution at nucleotide position 2695. The glycine at codon 899 is replaced by cysteine, an amino acid with highly dissimilar properties. This amino acid position is conserved. In addition, this alteration is predicted to be deleterious by in silico analysis. Since supporting evidence is limited at this time, the clinical significance of this alteration remains unclear.